The following is an entry in ClinVar:

NM_004415.4(DSP):c.1291T>C (p.Tyr431His)

Gene: DSP (desmoplakin; plus strand). Cytogenetic location: 6p24.3.
Variant type: single nucleotide variant.
Coding change: c.1291T>C on transcript NM_004415.4 (MANE Select); coding-DNA position 1291, T replaced by C.
Protein change: p.Tyr431His; replaces tyrosine 431 with histidine.
Molecular consequence: missense variant.
Genome position (GRCh38, 1-based): chr6:7,568,461, T>C. VCF-style: chr6-7568461-T-C. GRCh37 (hg19) VCF-style: chr6-7568694-T-C.
Other names: c.1291T>C, p.Tyr431His (NM_001008844.3, NM_001319034.2); short protein forms Y431H.
Identifiers: ClinVar variation 1413503 (VCV001413503.4), dbSNP rs1039885114, ClinGen allele CA133956061.
Genomic context (GRCh38, chr6:7,568,461, plus strand): 5'-ATCTATGTTTAAGTATGATTTTATTCACCATTGCAGAAAGAACGAGAGAAAATCCTTGAA[T>C]ACAAGCGTCAGGTGCAGAACTTGGTAAACAAGTCTAAGAAGATTGTACAGCTGAAGCCTC-3'
Protein context (NP_004406.2, residues 421-441): LEKEREKILE[Tyr431His]KRQVQNLVNK

ClinVar aggregate classification (germline): Uncertain significance (1 of 4 stars; one submission).

Conditions:
Arrhythmogenic cardiomyopathy with wooly hair and keratoderma. Also called: PALMOPLANTAR KERATODERMA WITH LEFT VENTRICULAR CARDIOMYOPATHY AND WOOLLY HAIR; Carvajal syndrome; Dilated cardiomyopathy with woolly hair and keratoderma; Arrhythmogenic cardiomyopathy with woolly hair and keratoderma. Identifiers: Orphanet 65282, MedGen C1854063, MONDO:0011581, OMIM 605676.
Arrhythmogenic right ventricular dysplasia 8 (ARVD8). Also called: ARRHYTHMOGENIC RIGHT VENTRICULAR CARDIOMYOPATHY 8; ARRHYTHMOGENIC RIGHT VENTRICULAR DYSPLASIA, FAMILIAL, 8; Arrhythmogenic Right Ventricular Dysplasia/Cardiomyopathy 8. Identifiers: MedGen C1843896, MONDO:0011831, OMIM 607450.

Allele frequency attached by ClinVar (database versions not stated): gnomAD 0.00001; TOPMed 0.00001.
gnomAD v4.1: 2 of 1,614,010 alleles (0.00012%); highest among the groups gnomAD compares: African/African-American, 0.0027%; no homozygotes.

Submission:

Labcorp Genetics (formerly Invitae), Labcorp
Classification: Uncertain significance for Arrhythmogenic cardiomyopathy with wooly hair and keratoderma; Arrhythmogenic right ventricular dysplasia 8. Last evaluated: 2025-08-18. Review status: criteria provided, single submitter. Criteria: Invitae Variant Classification Sherloc (09022015). Collection method: clinical testing. Allele origin: germline.
Comment: This sequence change replaces tyrosine, which is neutral and polar, with histidine, which is basic and polar, at codon 431 of the DSP protein (p.Tyr431His). This variant is not present in population databases (gnomAD no frequency). This variant has not been reported in the literature in individuals affected with DSP-related conditions. ClinVar contains an entry for this variant (Variation ID: 1413503). An algorithm developed to predict the effect of missense changes on protein structure and function (PolyPhen-2) suggests that this variant is likely to be disruptive. In summary, the available evidence is currently insufficient to determine the role of this variant in disease. Therefore, it has been classified as a Variant of Uncertain Significance.